The following is an entry in ClinVar:

NM_015178.3(RHOBTB2):c.939C>T (p.Gly313=)

Gene: RHOBTB2 (Rho related BTB domain containing 2; plus strand). Cytogenetic location: 8p21.3.
Variant type: single nucleotide variant.
Coding change: c.939C>T on transcript NM_015178.3 (MANE Select); coding-DNA position 939, C replaced by T.
Protein change: p.Gly313=; no amino-acid change (glycine 313 retained).
Molecular consequence: synonymous variant.
Genome position (GRCh38, 1-based): chr8:23,007,184, C>T. VCF-style: chr8-23007184-C-T. GRCh37 (hg19) VCF-style: chr8-22864697-C-T.
Other names: c.1005C>T, p.Gly335= (NM_001160036.2); c.960C>T, p.Gly320= (NM_001160037.2); c.939C>T, p.Gly313= (NM_001374791.1).
Identifiers: ClinVar variation 1418845 (VCV001418845.10), dbSNP rs1810988478, ClinGen allele CA460177691.

ClinVar aggregate classification (germline): Likely benign. Review status: criteria provided, multiple submitters, no conflicts (2 of 4 stars). 2 submissions from 2 submitters: Likely benign (2). Last evaluated 2026-05-01.

Allele frequency attached by ClinVar (database versions not stated): TOPMed below 0.00001.
gnomAD v4.1: 1 of 1,603,660 alleles (0.000062%); no homozygotes.

Submissions (2):

CeGaT Center for Human Genetics Tuebingen
Classification: Likely benign. Last evaluated: 2026-05-01. Review status: criteria provided, single submitter. Criteria: CeGaT Center For Human Genetics Tuebingen Variant Classification Criteria Version 2. Collection method: clinical testing. Allele origin: germline. Affected: yes. Observed: 1 variant allele.
Comment: RHOBTB2: BP4, BP7

Labcorp Genetics (formerly Invitae), Labcorp
Classification: Likely benign. Last evaluated: 2024-02-17. Review status: criteria provided, single submitter. Criteria: Invitae Variant Classification Sherloc (09022015). Collection method: clinical testing. Allele origin: germline.